The following is an entry in ClinVar:

ClinVar aggregate classification (germline): Uncertain significance (1 of 4 stars; one submission).

Conditions:
DICER1-related tumor predisposition. Also called: DICER1 syndrome; DICER1-related pleuropulmonary blastoma cancer predisposition syndrome. Identifiers: Orphanet 284343, MedGen C3839822, MONDO:0100216.

Submission:

Labcorp Genetics (formerly Invitae), Labcorp
Classification: Uncertain significance for DICER1-related tumor predisposition. Last evaluated: 2022-10-05. Review status: criteria provided, single submitter. Criteria: Invitae Variant Classification Sherloc (09022015). Collection method: clinical testing. Allele origin: germline.
Comment: In summary, the available evidence is currently insufficient to determine the role of this variant in disease. Therefore, it has been classified as a Variant of Uncertain Significance. Advanced modeling of protein sequence and biophysical properties (such as structural, functional, and spatial information, amino acid conservation, physicochemical variation, residue mobility, and thermodynamic stability) performed at Invitae indicates that this missense variant is not expected to disrupt DICER1 protein function. This variant has not been reported in the literature in individuals affected with DICER1-related conditions. This variant is not present in population databases (gnomAD no frequency). This sequence change replaces asparagine, which is neutral and polar, with aspartic acid, which is acidic and polar, at codon 1248 of the DICER1 protein (p.Asn1248Asp).

NM_177438.3(DICER1):c.3742A>G (p.Asn1248Asp)

Gene: DICER1 (dicer 1, ribonuclease III; minus strand). Cytogenetic location: 14q32.13.
Variant type: single nucleotide variant.
Coding change: c.3742A>G on transcript NM_177438.3 (MANE Select); coding-DNA position 3742, A replaced by G.
Protein change: p.Asn1248Asp; replaces asparagine 1248 with aspartic acid.
Molecular consequence: missense variant. On other transcripts: non-coding transcript variant (6).
Genome position (GRCh38, 1-based): chr14:95,103,654, T>C on the plus strand (A>G on the coding strand, the complement: DICER1 is on the minus strand). VCF-style: chr14-95103654-T-C. GRCh37 (hg19) VCF-style: chr14-95569991-T-C.
Other names: c.3742A>G, p.Asn1248Asp (NM_001195573.1, NM_001271282.3, NM_001291628.2 and 13 more transcripts); c.3460A>G, p.Asn1154Asp (NM_001395686.1); c.3337A>G, p.Asn1113Asp (NM_001395687.1, NM_001395688.1, NM_001395689.1 and 2 more transcripts); c.3175A>G, p.Asn1059Asp (NM_001395691.1); c.2059A>G, p.Asn687Asp (NM_001395697.1); short protein forms N1059D, N1113D, N1154D, N1248D, N687D.
Identifiers: ClinVar variation 1720999 (VCV001720999.6), dbSNP rs2139960752, ClinGen allele CA390874202.